The following is an entry in ClinVar:

ClinVar aggregate classification (germline): Uncertain significance (1 of 4 stars; one submission).

Conditions:
Congenital myotonia, autosomal dominant form (THD). Also called: THOMSEN DISEASE; Myotonia congenita autosomal dominant. Identifiers: Orphanet 614, MedGen C2936781, MONDO:0008055, OMIM 160800.
Congenital myotonia, autosomal recessive form. Also called: Becker Generalized Myotonia; myotonia congenita, autosomal recessive; BECKER DISEASE. Identifiers: Orphanet 614, MedGen C0751360, MONDO:0009715, OMIM 255700.

Submission:

Labcorp Genetics (formerly Invitae), Labcorp
Classification: Uncertain significance for Congenital myotonia, autosomal recessive form; Congenital myotonia, autosomal dominant form. Last evaluated: 2024-07-01. Review status: criteria provided, single submitter. Criteria: Invitae Variant Classification Sherloc (09022015). Collection method: clinical testing. Allele origin: germline.
Comment: This sequence change replaces glutamic acid, which is acidic and polar, with lysine, which is basic and polar, at codon 717 of the CLCN1 protein (p.Glu717Lys). This variant is not present in population databases (gnomAD no frequency). This variant has not been reported in the literature in individuals affected with CLCN1-related conditions. Advanced modeling of protein sequence and biophysical properties (such as structural, functional, and spatial information, amino acid conservation, physicochemical variation, residue mobility, and thermodynamic stability) has been performed at Invitae for this missense variant, however the output from this modeling did not meet the statistical confidence thresholds required to predict the impact of this variant on CLCN1 protein function. In summary, the available evidence is currently insufficient to determine the role of this variant in disease. Therefore, it has been classified as a Variant of Uncertain Significance.

NM_000083.3(CLCN1):c.2149G>A (p.Glu717Lys)

Gene: CLCN1 (chloride voltage-gated channel 1; plus strand). Cytogenetic location: 7q34.
Variant type: single nucleotide variant.
Coding change: c.2149G>A on transcript NM_000083.3 (MANE Select); coding-DNA position 2149, G replaced by A.
Protein change: p.Glu717Lys; replaces glutamic acid 717 with lysine.
Molecular consequence: missense variant. On other transcripts: non-coding transcript variant (1).
Genome position (GRCh38, 1-based): chr7:143,345,739, G>A. VCF-style: chr7-143345739-G-A. GRCh37 (hg19) VCF-style: chr7-143042832-G-A.
Other names: short protein forms E717K.
Identifiers: ClinVar variation 3749213 (VCV003749213.2).